The following is an entry in ClinVar:

ClinVar aggregate classification (germline): Uncertain significance (1 of 4 stars; one submission).

Allele frequency attached by ClinVar (database versions not stated): ExAC 0.00001; 1000 Genomes Project 30x 0.00016; 1000 Genomes Project 0.00020.
gnomAD v4.1: 2 of 1,614,152 alleles (0.00012%); highest among the groups gnomAD compares: Non-Finnish European, 0.00017%; no homozygotes.

Submission:

Labcorp Genetics (formerly Invitae), Labcorp
Classification: Uncertain significance. Last evaluated: 2022-02-03. Review status: criteria provided, single submitter. Criteria: Invitae Variant Classification Sherloc (09022015). Collection method: clinical testing. Allele origin: germline.
Comment: In summary, the available evidence is currently insufficient to determine the role of this variant in disease. Therefore, it has been classified as a Variant of Uncertain Significance. Algorithms developed to predict the effect of missense changes on protein structure and function are either unavailable or do not agree on the potential impact of this missense change (SIFT: "Deleterious"; PolyPhen-2: "Possibly Damaging"; Align-GVGD: "Class C0"). ClinVar contains an entry for this variant (Variation ID: 652359). This variant has not been reported in the literature in individuals affected with SLC25A12-related conditions. This variant is present in population databases (rs199526039, gnomAD 0.0009%). This sequence change replaces isoleucine, which is neutral and non-polar, with methionine, which is neutral and non-polar, at codon 649 of the SLC25A12 protein (p.Ile649Met).

NM_003705.5(SLC25A12):c.1947C>G (p.Ile649Met)

Gene: SLC25A12 (solute carrier family 25 member 12; minus strand). Cytogenetic location: 2q31.1.
Variant type: single nucleotide variant.
Coding change: c.1947C>G on transcript NM_003705.5 (MANE Select); coding-DNA position 1947, C replaced by G.
Protein change: p.Ile649Met; replaces isoleucine 649 with methionine.
Molecular consequence: missense variant. On other transcripts: non-coding transcript variant (1).
Genome position (GRCh38, 1-based): chr2:171,785,364, G>C on the plus strand (C>G on the coding strand, the complement: SLC25A12 is on the minus strand). VCF-style: chr2-171785364-G-C. GRCh37 (hg19) VCF-style: chr2-172641874-G-C.
Other names: short protein forms I649M.
Identifiers: ClinVar variation 652359 (VCV000652359.11), dbSNP rs199526039, ClinGen allele CA1965999.